The following is an entry in ClinVar:

ClinVar aggregate classification (germline): Pathogenic/Likely pathogenic. Review status: criteria provided, multiple submitters, no conflicts (2 of 4 stars). 45 submissions from 45 submitters: Pathogenic (32); Likely pathogenic (7). 6 of the submissions do not count toward it. Last evaluated 2026-06-29.

Conditions:
SPG7-related disorder. Also called: SPG7-related condition.
Inborn genetic diseases. Identifiers: MedGen C0950123, MeSH D030342.
Retinal dystrophy. Also called: Inherited retinal dystrophy. Identifiers: Orphanet 71862, MedGen C0854723, MeSH D058499, MONDO:0019118, HP:0000556.
Hereditary spastic paraplegia. Also called: Familial spastic paraparesis. Identifiers: Orphanet 685, MedGen C0037773, MONDO:0019064. Disease mechanism: loss of function.
Hereditary spastic paraplegia 7 (SPG7). Also called: Spastic paraplegia 7; Hereditary spastic paraplegia Paraplegin type; Autosomal recessive spastic paraplegia type 7; SPASTIC PARAPLEGIA 7, AUTOSOMAL RECESSIVE, WITH OR WITHOUT CEREBELLAR ATAXIA; SPG7-related neurologic disorder. Identifiers: Orphanet 99013, MedGen C1846564, MONDO:0011803, OMIM 607259.
Optic neuropathy. Also called: Optic nerve disorder. Identifiers: MedGen C3887709, MONDO:0002135, HP:0001138.

Allele frequency attached by ClinVar (database versions not stated): gnomAD 0.00102 and 0.00103; 1000 Genomes Project 30x 0.00062; 1000 Genomes Project 0.00080; ESP Exome Variant Server 0.00123; TOPMed 0.00107.
gnomAD v4.1: 2,564 of 1,613,926 alleles (0.16%); highest among the groups gnomAD compares: Non-Finnish European, 0.2%; 3 homozygotes.

Submissions 1 to 13 of 45:

Genetics Laboratory, Great Ormond Street Hospital NHS Foundation Trust, North Thames Genomic Laboratory Hub
Classification: Pathogenic for Optic neuropathy. Last evaluated: 2026-06-29. Review status: criteria provided, single submitter. Criteria: ACGS Best Practice Guidelines for Variant Classification in Rare Disease 2024 v1.2. Collection method: clinical testing. Allele origin: germline. Affected: yes.
Comment: PP3_supporting, PS3_supporting, PM3_very-strong

OLLIN Analises Genomicas, OLLIN
Classification: Pathogenic for Hereditary spastic paraplegia 7. Last evaluated: 2026-02-13. Review status: criteria provided, single submitter. Criteria: ACMG Guidelines 2015 PMID 25741868. Collection method: clinical testing. Allele origin: germline. Observed: 1 variant allele.
Comment: PS3_P, PS4, PM2_P, PM3_S, PP1_S, PP3_S

Labcorp Genetics (formerly Invitae), Labcorp
Classification: Pathogenic for Hereditary spastic paraplegia 7. Last evaluated: 2026-01-11. Review status: criteria provided, single submitter. Criteria: Invitae Variant Classification Sherloc (09022015). Collection method: clinical testing. Allele origin: germline.
Comment: This sequence change replaces glycine, which is neutral and non-polar, with serine, which is neutral and polar, at codon 349 of the SPG7 protein (p.Gly349Ser). This variant is present in population databases (rs141659620, gnomAD 0.2%), and has an allele count higher than expected for a pathogenic variant. This missense change has been observed in individuals with autosomal recessive hereditary spastic paraplegia (PMID: 18799786, 20186691, 21623769, 22964162, 23065789, 23269439, 23733235, 23812641, 25034272, 25133958, 26626314, 27016405). It has also been observed to segregate with disease in related individuals. ClinVar contains an entry for this variant (Variation ID: 6819). Invitae Evidence Modeling of protein sequence and biophysical properties (such as structural, functional, and spatial information, amino acid conservation, physicochemical variation, residue mobility, and thermodynamic stability) indicates that this missense variant is expected to disrupt SPG7 protein function with a positive predictive value of 80%. Experimental studies have shown that this missense change affects SPG7 function (PMID: 20186691). For these reasons, this variant has been classified as Pathogenic.

Clinical Genomics Laboratory, Washington University in St. Louis
Classification: Pathogenic for Hereditary spastic paraplegia 7. Last evaluated: 2025-12-26. Review status: criteria provided, single submitter. Criteria: ACMG Guidelines, 2015. Collection method: clinical testing. Allele origin: germline. Affected: yes.
Comment: The SPG7 c.1045G>A (p.Gly349Ser) variant has been reported in at least 15 individuals affected with SPG7 who were compound heterozygous for this variant and a pathogenic or likely pathogenic variant confirmed in trans (Brugman F et al., PMID: 18799786; Fogel BL et al., PMID: 25133958; Klebe S et al., PMID: 23065789; Kumar KR et al., PMID: 23812641; Marcotulli C et al., PMID: 25034272; Roxburgh RH et al., PMID: 23269439; van Gassen KL et al., PMID: 22964162; Yoon G et al., PMID: 23733235). This variant has been reported in the ClinVar database as a germline pathogenic variant by 32 submitters and as a likely pathogenic variant by six submitters. The highest population minor allele frequency in the Genome Aggregation Database (v2.1.1) is 0.15% in the European non-Finnish population. Computational predictors indicate that the variant is damaging, providing evidence that correlates with an impact on SPG7 function. Functional studies show that this variant fails to complement the protease-deficient yeast, indicating impaired proteolytic activity of the m-AAA protease complex when this variant is present, and demonstrating that this variant impacts protein function (Bonn F et al., PMID: 20186691). Based on the available information and the ACMG/AMP guidelines for variant interpretation (Richards S et al., PMID: 25741868), this variant is classified as pathogenic.

Clinical Genetics Laboratory, University Hospital Schleswig-Holstein
Classification: Likely pathogenic for Hereditary spastic paraplegia 7. Last evaluated: 2025-11-13. Review status: criteria provided, single submitter. Criteria: ACMG Guidelines, 2015. Collection method: clinical testing. Allele origin: germline. Affected: yes. Observed: 1 heterozygote.
Comment: ACMG criteria applied: PS4, PP3, PS3_Supporting

Mayo Clinic Laboratories, Mayo Clinic
Classification: Pathogenic. Last evaluated: 2025-05-19. Review status: criteria provided, single submitter. Criteria: ACMG Guidelines, 2015. Collection method: clinical testing. Allele origin: germline. Observed: 4 variant alleles.
Comment: PP3_strong, PM2_supporting, PM3_strong

First Genomix Gene Laboratory, Genetic Diagnostics Department
Classification: Pathogenic for Hereditary spastic paraplegia 7. Last evaluated: 2025-03-24. Review status: criteria provided, single submitter. Criteria: ACMG Guidelines, 2015. Collection method: clinical testing. Allele origin: germline. Inheritance: Autosomal recessive inheritance. Affected: no. Observed: 1 variant allele.

Variantyx, Inc.
Classification: Pathogenic for Hereditary spastic paraplegia 7. Last evaluated: 2025-03-18. Review status: criteria provided, single submitter. Criteria: Variantyx Assertion Criteria 2022. Collection method: clinical testing. Allele origin: germline. Inheritance: Autosomal dominant inheritance. Affected: yes.
Comment: This is a nonsynonymous variant in the SPG7 gene (OMIM: 602783). Pathogenic variants in this gene have been associated with autosomal recessive spastic paraplegia 7. This variant has been identified in the homozygous or compound heterozygous state in one or more of the following: the current proband, in several individual(s) from the published literature (PMID: 37152446, 26626314, 20186691, 32270516, 23733235, 22964162), or previous internal cases (PM3_Very_Strong). Functional studies have shown that this variant alters SPG7 protein function (PMID: 20186691) (PS3_Supporting). This variant lies within AAA-ATPase domain (PMID: 19841671). Multiple computational algorithms predict a deleterious effect for this variant (REVEL score: 0.948) (PP3_Moderate). This variant has a 0.2041% maximum allele frequency in non-founder control populations (PM2_Supporting). Based on the current evidence, this variant is classified as pathogenic for autosomal recessive spastic paraplegia 7.

CeGaT Center for Human Genetics Tuebingen
Classification: Pathogenic. Last evaluated: 2025-03-01. Review status: criteria provided, single submitter. Criteria: CeGaT Center For Human Genetics Tuebingen Variant Classification Criteria Version 2. Collection method: clinical testing. Allele origin: germline. Affected: yes. Observed: 17 variant alleles.
Comment: SPG7: PM3:Very Strong, PM2:Supporting, PP3, PS3:Supporting

Athena Diagnostics
Classification: Pathogenic. Last evaluated: 2025-01-17. Review status: criteria provided, single submitter. Criteria: Athena Diagnostics Criteria. Collection method: clinical testing. Allele origin: unknown.
Comment: The frequency of this variant in the general population is consistent with pathogenicity. This variant has been identified in multiple unrelated individuals with clinical features associated with this gene. Assessment of experimental evidence suggests this variant results in abnormal protein function. (PMID:20186691). In multiple individuals, this variant has been seen with a single recessive pathogenic variant in the same gene, suggesting this variant may also be pathogenic. The variant is located in a region that is considered important for protein function and/or structure.

Blueprint Genetics
Classification: Pathogenic for SPG7-related disorders. Last evaluated: 2024-11-04. Review status: criteria provided, single submitter. Criteria: ACMG Guidelines, 2015. Collection method: clinical testing. Allele origin: germline. Affected: yes. Observed: 5 variant alleles.

Greenwood Genetic Center Diagnostic Laboratories, Greenwood Genetic Center
Classification: Pathogenic for Hereditary spastic paraplegia 7. Last evaluated: 2024-11-04. Review status: criteria provided, single submitter. Criteria: ACMG Guidelines, 2015. Collection method: clinical testing. Allele origin: germline. Affected: yes.
Comment: PS3, PM1, PM3_Very Strong, PP3

GeneDx
Classification: Pathogenic. Last evaluated: 2024-05-03. Review status: criteria provided, single submitter. Criteria: GeneDx Variant Classification Process June 2021. Collection method: clinical testing. Allele origin: germline. Affected: yes.
Comment: Reported as heterozygous in an individual with HSP in whom a second variant was not described (PMID: 18799786); Functional studies performed in yeast cells found that G349S perturbs the function of the SPG7 protein (PMID: 20186691); In silico analysis supports that this missense variant has a deleterious effect on protein structure/function; This variant is associated with the following publications: (PMID: 27016405, 29431110, 32816195, 34662886, 34758253, 23065789, 23269439, 21623769, 23733235, 25133958, 26626314, 25034272, 23812641, 30747022, 32447552, 31980526, 32270516, 31589614, 33300680, 33157434, 33841295, 34531397, 30533525, 27790088, 22964162, 20186691, 18799786, 22571692, 34983064, 36781956)

NM_003119.4(SPG7):c.1045G>A (p.Gly349Ser)

Gene: SPG7 (SPG7 matrix AAA peptidase subunit, paraplegin; plus strand). Cytogenetic location: 16q24.3.
Variant type: single nucleotide variant.
Coding change: c.1045G>A on transcript NM_003119.4 (MANE Select); coding-DNA position 1045, G replaced by A.
Protein change: p.Gly349Ser; replaces glycine 349 with serine.
Molecular consequence: missense variant.
Genome position (GRCh38, 1-based): chr16:89,531,961, G>A. VCF-style: chr16-89531961-G-A. GRCh37 (hg19) VCF-style: chr16-89598369-G-A.
Other names: p.G349S:GGC>AGC; c.1045G>A, p.Gly349Ser (NM_001363850.1, NM_199367.3); short protein forms G349S.
Identifiers: ClinVar variation 6819 (VCV000006819.110), dbSNP rs141659620, ClinGen allele CA253968.